The following is an entry in ClinVar:

NM_030665.4(RAI1):c.5272G>A (p.Asp1758Asn)

Gene: RAI1 (retinoic acid induced 1; plus strand). Cytogenetic location: 17p11.2.
Variant type: single nucleotide variant.
Coding change: c.5272G>A on transcript NM_030665.4 (MANE Select); coding-DNA position 5272, G replaced by A.
Protein change: p.Asp1758Asn; replaces aspartic acid 1758 with asparagine.
Molecular consequence: missense variant.
Genome position (GRCh38, 1-based): chr17:17,798,220, G>A. VCF-style: chr17-17798220-G-A. GRCh37 (hg19) VCF-style: chr17-17701534-G-A.
Other names: short protein forms D1758N.
Identifiers: ClinVar variation 4085440 (VCV004085440.8).

ClinVar aggregate classification (germline): Uncertain significance (1 of 4 stars; one submission).

Submission:

CeGaT Center for Human Genetics Tuebingen
Classification: Uncertain significance. Last evaluated: 2025-07-01. Review status: criteria provided, single submitter. Criteria: CeGaT Center For Human Genetics Tuebingen Variant Classification Criteria Version 2. Collection method: clinical testing. Allele origin: germline. Affected: yes. Observed: 1 variant allele.
Comment: RAI1: PM2